The following is an entry in ClinVar:

ClinVar aggregate classification (germline): Uncertain significance. Review status: criteria provided, multiple submitters, no conflicts (2 of 4 stars). 2 submissions from 2 submitters: Uncertain significance (2). Last evaluated 2025-08-14.

Conditions:
Hereditary cancer-predisposing syndrome. Also called: Tumor predisposition; Neoplastic Syndromes, Hereditary; Hereditary neoplastic syndrome; Hereditary Cancer Syndrome. Identifiers: Orphanet 140162, MedGen C0027672, MeSH D009386, MONDO:0015356.

Submissions (2):

Ambry Genetics
Classification: Uncertain significance for Hereditary cancer-predisposing syndrome. Last evaluated: 2025-08-14. Review status: criteria provided, single submitter. Criteria: Ambry Variant Classification Scheme 2023. Collection method: clinical testing. Allele origin: germline.
Comment: The p.P591T variant (also known as c.1771C>A), located in coding exon 4 of the MSH6 gene, results from a C to A substitution at nucleotide position 1771. The proline at codon 591 is replaced by threonine, an amino acid with highly similar properties. This amino acid position is highly conserved in available vertebrate species. In addition, this alteration is predicted to be deleterious by in silico analysis. Based on the available evidence, the clinical significance of this variant remains unclear.

Color Diagnostics, LLC DBA Color Health
Classification: Uncertain significance for Hereditary cancer-predisposing syndrome. Last evaluated: 2018-11-25. Review status: criteria provided, single submitter. Criteria: ACMG Guidelines, 2015. Collection method: clinical testing. Allele origin: germline.

NM_000179.3(MSH6):c.1771C>A (p.Pro591Thr)

Gene: MSH6 (mutS homolog 6; plus strand). Cytogenetic location: 2p16.3.
Variant type: single nucleotide variant.
Coding change: c.1771C>A on transcript NM_000179.3 (MANE Select); coding-DNA position 1771, C replaced by A.
Protein change: p.Pro591Thr; replaces proline 591 with threonine.
Molecular consequence: missense variant.
Genome position (GRCh38, 1-based): chr2:47,799,754, C>A. VCF-style: chr2-47799754-C-A. GRCh37 (hg19) VCF-style: chr2-48026893-C-A.
Other names: c.1381C>A, p.Pro461Thr (NM_001281492.2); c.865C>A, p.Pro289Thr (NM_001281493.2, NM_001281494.2); short protein forms P591T, P289T, P461T.
Identifiers: ClinVar variation 630836 (VCV000630836.6), dbSNP rs267608045, ClinGen allele CA346749153.